The following is an entry in ClinVar:

NM_001048174.2(MUTYH):c.989_991delinsACA (p.Phe330_Pro331delinsTyrThr)

Gene: MUTYH (mutY DNA glycosylase; minus strand). Cytogenetic location: 1p34.1.
Variant type: Indel.
Coding change: c.989_991delinsACA on transcript NM_001048174.2 (MANE Select); coding-DNA positions 989 to 991, TCC replaced by ACA.
Protein change: p.Phe330_Pro331delinsTyrThr.
Molecular consequence: missense variant. On other transcripts: non-coding transcript variant (2).
Genome position (GRCh38, 1-based): chr1:45,331,772-45,331,774, GGA replaced by TGT on the plus strand (TCC replaced by ACA on the coding strand, the reverse complement: MUTYH is on the minus strand). VCF-style: chr1-45331772-GGA-TGT. GRCh37 (hg19) VCF-style: chr1-45797444-GGA-TGT.
Other names: c.1073_1075delTCCinsACA (NM_001128425.1); c.989_991delinsACA, p.Phe330_Pro331delinsTyrThr (NM_001048171.2, NM_001048173.2, NM_001293195.2); c.992_994delinsACA, p.Phe331_Pro332delinsTyrThr (NM_001048172.2); c.1073_1075delinsACA, p.Phe358_Pro359delinsTyrThr (NM_001128425.2); c.1034_1036delinsACA, p.Phe345_Pro346delinsTyrThr (NM_001293190.2); c.1022_1024delinsACA, p.Phe341_Pro342delinsTyrThr (NM_001293191.2); c.713_715delinsACA, p.Phe238_Pro239delinsTyrThr (NM_001293192.2, NM_001293196.2); c.644_646delinsACA, p.Phe215_Pro216delinsTyrThr (NM_001350650.2, NM_001350651.2); and 1 more.
Identifiers: ClinVar variation 418344 (VCV000418344.10), dbSNP rs1064793199, ClinGen allele CA16617157.
Genomic context (GRCh38, chr1:45,331,772, plus strand): 5'-GTTCCAGAACACAGGTGGCAGAGCTCTCCTCCCTGGGGGGCTTGCGGCTGGCCTTTCTGG[GGA>TGT]AGTTGACCACTCCCAGGGTCTGGTCCCAGGGCTCCGAGGGAGGCAGGCACAGGTGGCACT-3'

ClinVar aggregate classification (germline): Uncertain significance. Review status: criteria provided, multiple submitters, no conflicts (2 of 4 stars). 3 submissions from 3 submitters: Uncertain significance (3). Last evaluated 2024-10-14.

Conditions:
Hereditary cancer-predisposing syndrome. Also called: Hereditary neoplastic syndrome; Tumor predisposition; Neoplastic Syndromes, Hereditary; Hereditary Cancer Syndrome. Identifiers: Orphanet 140162, MedGen C0027672, MeSH D009386, MONDO:0015356.

Submissions (3):

Ambry Genetics
Classification: Uncertain significance for Hereditary cancer-predisposing syndrome. Last evaluated: 2024-10-14. Review status: criteria provided, single submitter. Criteria: Ambry Variant Classification Scheme 2023. Collection method: clinical testing. Allele origin: germline.
Comment: The c.1073_1075delTCCinsACA variant (also known as p.F358_P359delinsYT), located in coding exon 12 of the MUTYH gene, results from an in-frame deletion of TCC and insertion of ACA at nucleotide positions 1073 to 1075. This results in the substitution of phenylalanine and proline residues for tyrosine and threonine residues at codons 358 and 359. This amino acid region is well conserved in available vertebrate species. In addition, this alteration is predicted to be deleterious by in silico analysis (Choi Y et al. PLoS ONE. 2012; 7(10):e46688). Based on the available evidence, the clinical significance of this variant remains unclear.

Color Diagnostics, LLC DBA Color Health
Classification: Uncertain significance for Hereditary cancer-predisposing syndrome. Last evaluated: 2023-12-04. Review status: criteria provided, single submitter. Criteria: ACMG Guidelines, 2015. Collection method: clinical testing. Allele origin: germline.
Comment: This missense variant replaces phenylalanine and proline with tyrosine and threonine at codon 358 and 359 of the MUTYH protein. To our knowledge, functional studies have not been reported for this variant. This variant has not been reported in individuals affected with MUTYH-related disorders in the literature. This variant has not been identified in the general population by the Genome Aggregation Database (gnomAD). The available evidence is insufficient to determine the role of this variant in disease conclusively. Therefore, this variant is classified as a Variant of Uncertain Significance.

GeneDx
Classification: Uncertain significance. Last evaluated: 2021-10-21. Review status: criteria provided, single submitter. Criteria: GeneDx Variant Classification Process June 2021. Collection method: clinical testing. Allele origin: germline. Affected: yes.
Comment: Not observed at significant frequency in large population cohorts (Lek 2016); In silico analysis supports a deleterious effect on protein structure/function; Has not been previously published as pathogenic or benign to our knowledge; This variant is associated with the following publications: (PMID: 27153395, 28944238, 17161978, 17581577)